The following is an entry in ClinVar:

ClinVar aggregate classification (germline): Likely benign. Review status: criteria provided, multiple submitters, no conflicts (2 of 4 stars). 3 submissions from 3 submitters: Likely benign (3). Last evaluated 2026-07-01.

Conditions:
Sulfite oxidase deficiency due to molybdenum cofactor deficiency type A. Also called: Molybdenum Cofactor Deficiency A; Molybdenum cofactor deficiency, complementation group A. Identifiers: Orphanet 308386, Orphanet 833, MedGen C1854988, MONDO:0009643, OMIM 252150.
MOCS1-related disorder. Also called: MOCS1-related condition.

Allele frequency attached by ClinVar (database versions not stated): TOPMed 0.00002; gnomAD 0.00003; gnomAD exomes 0.00003; ExAC 0.00004; ESP Exome Variant Server 0.00008.

Submissions (3):

CeGaT Center for Human Genetics Tuebingen
Classification: Likely benign. Last evaluated: 2026-07-01. Review status: criteria provided, single submitter. Criteria: CeGaT Center For Human Genetics Tuebingen Variant Classification Criteria Version 2. Collection method: clinical testing. Allele origin: germline. Affected: yes. Observed: 1 variant allele.
Comment: MOCS1: BP4, BP7

PreventionGenetics, part of Exact Sciences
Classification: Likely benign for MOCS1-related condition. Last evaluated: 2026-06-25. Review status: criteria provided, single submitter. Criteria: ACMG Guidelines, 2015. Collection method: clinical testing. Allele origin: germline.
Comment: This variant is classified as likely benign based on ACMG/AMP sequence variant interpretation guidelines (Richards et al. 2015 PMID: 25741868, with internal and published modifications).

Labcorp Genetics (formerly Invitae), Labcorp
Classification: Likely benign for Sulfite oxidase deficiency due to molybdenum cofactor deficiency type A. Last evaluated: 2025-06-12. Review status: criteria provided, single submitter. Criteria: Invitae Variant Classification Sherloc (09022015). Collection method: clinical testing. Allele origin: germline.

NM_001358530.2(MOCS1):c.1722C>T (p.Ala574=)

Gene: MOCS1 (molybdenum cofactor synthesis 1; minus strand). Cytogenetic location: 6p21.2.
Variant type: single nucleotide variant.
Coding change: c.1722C>T on transcript NM_001358530.2 (MANE Select); coding-DNA position 1722, C replaced by T.
Protein change: p.Ala574=; no amino-acid change (alanine 574 retained).
Molecular consequence: synonymous variant. On other transcripts: 3 prime UTR variant (4), non-coding transcript variant (1).
Genome position (GRCh38, 1-based): chr6:39,906,546, G>A on the plus strand (C>T on the coding strand, the complement: MOCS1 is on the minus strand). VCF-style: chr6-39906546-G-A. GRCh37 (hg19) VCF-style: chr6-39874322-G-A.
Other names: c.*579C>T (NM_001075098.4, NM_001358533.2, NM_001358534.2 and 1 more transcripts); c.1674C>T, p.Ala558= (NM_001358529.2); c.1461C>T, p.Ala487= (NM_001358531.2); c.1722C>T (NM_001358530.1).
Identifiers: ClinVar variation 1612021 (VCV001612021.10), dbSNP rs376513113, ClinGen allele CA3795907.